The following is an entry in ClinVar:

NM_001007525.5(NWD1):c.984C>T (p.His328=)

Gene: NWD1 (NACHT and WD repeat domain containing 1; plus strand). Cytogenetic location: 19p13.11.
Variant type: single nucleotide variant.
Coding change: c.984C>T on transcript NM_001007525.5 (MANE Select); coding-DNA position 984, C replaced by T.
Protein change: p.His328=; no amino-acid change (histidine 328 retained).
Molecular consequence: synonymous variant.
Genome position (GRCh38, 1-based): chr19:16,749,626, C>T. VCF-style: chr19-16749626-C-T. GRCh37 (hg19) VCF-style: chr19-16860437-C-T.
Other names: c.579C>T, p.His193= (NM_001290355.3); c.366C>T, p.His122= (NM_001347994.1).
Identifiers: ClinVar variation 2649517 (VCV002649517.24), dbSNP rs112475128, ClinGen allele CA9281605.
Genomic context (GRCh38, chr19:16,749,626, plus strand): 5'-CATTCAGACCTTCTGCGGACGCCAGGAACTCCTGGCCCGGCTTGGGCAGCAGCTCAGGCA[C>T]GATGACAGCAAGCAGCACACCCCCCTGGTACTCTTTGGGCCCCCAGGCATTGGAAAGACA-3'
Protein context (NP_001007526.3, residues 318-338): LLARLGQQLR[His328=]DDSKQHTPLV

ClinVar aggregate classification (germline): Likely benign (1 of 4 stars; one submission).

Allele frequency attached by ClinVar (database versions not stated): gnomAD exomes 0.00018; ExAC 0.00041; ESP Exome Variant Server 0.00069; gnomAD 0.00078; TOPMed 0.00084; 1000 Genomes Project 30x 0.00156; 1000 Genomes Project 0.00180.
gnomAD v4.1: 404 of 1,610,638 alleles (0.025%); highest among the groups gnomAD compares: African/African-American, 0.29%; no homozygotes.

Submission:

CeGaT Center for Human Genetics Tuebingen
Classification: Likely benign. Last evaluated: 2022-09-01. Review status: criteria provided, single submitter. Criteria: CeGaT Center For Human Genetics Tuebingen Variant Classification Criteria Version 2. Collection method: clinical testing. Allele origin: germline. Affected: yes. Observed: 2 variant alleles.
Comment: NWD1: BP4, BP7